The following is an entry in ClinVar:

ClinVar aggregate classification (germline): Uncertain significance (1 of 4 stars; one submission).

Submission:

Labcorp Genetics (formerly Invitae), Labcorp
Classification: Uncertain significance. Last evaluated: 2021-04-14. Review status: criteria provided, single submitter. Criteria: Invitae Variant Classification Sherloc (09022015). Collection method: clinical testing. Allele origin: germline.
Comment: This variant is not present in population databases (ExAC no frequency). This sequence change replaces aspartic acid with glycine at codon 278 of the C5 protein (p.Asp278Gly). The aspartic acid residue is weakly conserved and there is a moderate physicochemical difference between aspartic acid and glycine. This variant has not been reported in the literature in individuals with C5-related conditions. Algorithms developed to predict the effect of missense changes on protein structure and function (SIFT, PolyPhen-2, Align-GVGD) all suggest that this variant is likely to be tolerated, but these predictions have not been confirmed by published functional studies and their clinical significance is uncertain. In summary, the available evidence is currently insufficient to determine the role of this variant in disease. Therefore, it has been classified as a Variant of Uncertain Significance.

NM_001735.3(C5):c.833A>G (p.Asp278Gly)

Gene: C5 (complement C5; minus strand). Cytogenetic location: 9q33.2.
Variant type: single nucleotide variant.
Coding change: c.833A>G on transcript NM_001735.3 (MANE Select); coding-DNA position 833, A replaced by G.
Protein change: p.Asp278Gly; replaces aspartic acid 278 with glycine.
Molecular consequence: missense variant.
Genome position (GRCh38, 1-based): chr9:121,027,200, T>C on the plus strand (A>G on the coding strand, the complement: C5 is on the minus strand). VCF-style: chr9-121027200-T-C. GRCh37 (hg19) VCF-style: chr9-123789478-T-C.
Other names: c.851A>G, p.Asp284Gly (NM_001317163.2); c.833A>G, p.Asp278Gly (NM_001317164.2); short protein forms D284G, D278G.
Identifiers: ClinVar variation 1482458 (VCV001482458.8), dbSNP rs1287917708, ClinGen allele CA374756447.